The following is an entry in ClinVar:

ClinVar aggregate classification (germline): Uncertain significance (1 of 4 stars; one submission).

Conditions:
Catecholaminergic polymorphic ventricular tachycardia (CVPT). Also called: Catecholamine-induced polymorphic ventricular tachycardia. Identifiers: Orphanet 3286, MedGen C5574922, MONDO:0017990.

Submission:

All of Us Research Program, National Institutes of Health
Classification: Uncertain significance for Catecholaminergic polymorphic ventricular tachycardia. Last evaluated: 2023-08-23. Review status: criteria provided, single submitter. Criteria: ACMG Guidelines, 2015. Collection method: clinical testing. Allele origin: germline. Inheritance: Autosomal dominant inheritance. Observed: 1 variant allele, 1 heterozygote.
Comment: This variant is located in the RYR2 protein. To our knowledge, functional studies have not been reported for this variant. This variant has not been reported in individuals affected with RYR2-related disorders in the literature. This variant has not been identified in the general population by the Genome Aggregation Database (gnomAD). The available evidence is insufficient to determine the role of this variant in disease conclusively. Therefore, this variant is classified as a Variant of Uncertain Significance.

This study involves interpretation of variants in research participants for the purpose of population health screening. Participant phenotype was not available at the time of variant classification. Additional details can be found in publication PMID: 35346344, PMCID: PMC8962531

NM_001035.3(RYR2):c.12012G>A (p.Val4004=)

Gene: RYR2 (ryanodine receptor 2; plus strand). Cytogenetic location: 1q43.
Variant type: single nucleotide variant.
Coding change: c.12012G>A on transcript NM_001035.3 (MANE Select); coding-DNA position 12012, G replaced by A.
Protein change: p.Val4004=; no amino-acid change (valine 4004 retained).
Molecular consequence: synonymous variant.
Genome position (GRCh38, 1-based): chr1:237,783,724, G>A. VCF-style: chr1-237783724-G-A. GRCh37 (hg19) VCF-style: chr1-237947024-G-A.
Identifiers: ClinVar variation 3073122 (VCV003073122.1), dbSNP rs2527773110, ClinGen allele CA424031770.